The following is an entry in ClinVar:

ClinVar aggregate classification (germline): Uncertain significance (1 of 4 stars; one submission).

gnomAD v4.1: 5 of 1,597,196 alleles (0.00031%); highest among the groups gnomAD compares: South Asian, 0.0022%; no homozygotes.

Submission:

Labcorp Genetics (formerly Invitae), Labcorp
Classification: Uncertain significance. Last evaluated: 2022-05-05. Review status: criteria provided, single submitter. Criteria: Invitae Variant Classification Sherloc (09022015). Collection method: clinical testing. Allele origin: germline.
Comment: In summary, the available evidence is currently insufficient to determine the role of this variant in disease. Therefore, it has been classified as a Variant of Uncertain Significance. Algorithms developed to predict the effect of missense changes on protein structure and function (SIFT, PolyPhen-2, Align-GVGD) all suggest that this variant is likely to be tolerated. This variant has not been reported in the literature in individuals affected with GUCY2C-related conditions. This variant is present in population databases (rs191777682, gnomAD 0.003%). This sequence change replaces leucine, which is neutral and non-polar, with isoleucine, which is neutral and non-polar, at codon 751 of the GUCY2C protein (p.Leu751Ile).

NM_004963.4(GUCY2C):c.2251C>A (p.Leu751Ile)

Gene: GUCY2C (guanylate cyclase 2C; minus strand). Cytogenetic location: 12p12.3.
Variant type: single nucleotide variant.
Coding change: c.2251C>A on transcript NM_004963.4 (MANE Select); coding-DNA position 2251, C replaced by A.
Protein change: p.Leu751Ile; replaces leucine 751 with isoleucine.
Molecular consequence: missense variant.
Genome position (GRCh38, 1-based): chr12:14,625,914, G>T on the plus strand (C>A on the coding strand, the complement: GUCY2C is on the minus strand). VCF-style: chr12-14625914-G-T. GRCh37 (hg19) VCF-style: chr12-14778848-G-T.
Other names: short protein forms L751I.
Identifiers: ClinVar variation 2098739 (VCV002098739.4), dbSNP rs191777682, ClinGen allele CA6463108.